The following is an entry in ClinVar:

ClinVar aggregate classification (germline): Uncertain significance (1 of 4 stars; one submission).

Conditions:
Severe combined immunodeficiency, autosomal recessive, T cell-negative, B cell-negative, NK cell-positive. Also called: SCID, T CELL-NEGATIVE, B CELL-NEGATIVE, NK CELL-POSITIVE; Severe combined immunodeficiency due to complete RAG1/2 deficiency; SCID, AR, T-cell negative, B-cell negative, NK cell-positive. Identifiers: Orphanet 331206, MedGen C1832322, MONDO:0011086, OMIM 601457.
Combined immunodeficiency with skin granulomas. Identifiers: Orphanet 157949, MedGen C2673536, MONDO:0009306, OMIM 233650.

Allele frequency attached by ClinVar (database versions not stated): gnomAD exomes below 0.00001.
gnomAD v4.1: 2 of 1,614,236 alleles (0.00012%); highest among the groups gnomAD compares: East Asian, 0.0022%; no homozygotes.

Submission:

Labcorp Genetics (formerly Invitae), Labcorp
Classification: Uncertain significance for Combined immunodeficiency with skin granulomas; Severe combined immunodeficiency, autosomal recessive, T cell-negative, B cell-negative, NK cell-positive. Last evaluated: 2022-02-09. Review status: criteria provided, single submitter. Criteria: Invitae Variant Classification Sherloc (09022015). Collection method: clinical testing. Allele origin: germline.
Comment: In summary, the available evidence is currently insufficient to determine the role of this variant in disease. Therefore, it has been classified as a Variant of Uncertain Significance. Advanced modeling of protein sequence and biophysical properties (such as structural, functional, and spatial information, amino acid conservation, physicochemical variation, residue mobility, and thermodynamic stability) performed at Invitae indicates that this missense variant is not expected to disrupt RAG1 protein function. ClinVar contains an entry for this variant (Variation ID: 998920). This variant has not been reported in the literature in individuals affected with RAG1-related conditions. This variant is not present in population databases (gnomAD no frequency). This sequence change replaces lysine, which is basic and polar, with glutamic acid, which is acidic and polar, at codon 383 of the RAG1 protein (p.Lys383Glu).

NM_000448.3(RAG1):c.1147A>G (p.Lys383Glu)

Gene: RAG1 (recombination activating 1; plus strand). Cytogenetic location: 11p12.
Variant type: single nucleotide variant.
Coding change: c.1147A>G on transcript NM_000448.3 (MANE Select); coding-DNA position 1147, A replaced by G.
Protein change: p.Lys383Glu; replaces lysine 383 with glutamic acid.
Molecular consequence: missense variant.
Genome position (GRCh38, 1-based): chr11:36,574,451, A>G. VCF-style: chr11-36574451-A-G. GRCh37 (hg19) VCF-style: chr11-36596001-A-G.
Other names: c.1147A>G, p.Lys383Glu (NM_001377277.1, NM_001377278.1, NM_001377279.1 and 1 more transcripts); short protein forms K383E.
Identifiers: ClinVar variation 998920 (VCV000998920.8), dbSNP rs1850804605, ClinGen allele CA380151537.